The following is an entry in ClinVar:

ClinVar aggregate classification (germline): Uncertain significance (1 of 4 stars; one submission).

Submission:

Labcorp Genetics (formerly Invitae), Labcorp
Classification: Uncertain significance. Last evaluated: 2025-05-15. Review status: criteria provided, single submitter. Criteria: Invitae Variant Classification Sherloc (09022015). Collection method: clinical testing. Allele origin: germline.
Comment: This sequence change replaces glycine, which is neutral and non-polar, with serine, which is neutral and polar, at codon 548 of the FLNB protein (p.Gly548Ser). This variant is not present in population databases (gnomAD no frequency). This variant has not been reported in the literature in individuals affected with FLNB-related conditions. ClinVar contains an entry for this variant (Variation ID: 2872569). Invitae Evidence Modeling of protein sequence and biophysical properties (such as structural, functional, and spatial information, amino acid conservation, physicochemical variation, residue mobility, and thermodynamic stability) indicates that this missense variant is not expected to disrupt FLNB protein function with a negative predictive value of 95%. In summary, the available evidence is currently insufficient to determine the role of this variant in disease. Therefore, it has been classified as a Variant of Uncertain Significance.

NM_001457.4(FLNB):c.1642G>A (p.Gly548Ser)

Gene: FLNB (filamin B; plus strand). Cytogenetic location: 3p14.3.
Variant type: single nucleotide variant.
Coding change: c.1642G>A on transcript NM_001457.4 (MANE Select); coding-DNA position 1642, G replaced by A.
Protein change: p.Gly548Ser; replaces glycine 548 with serine.
Molecular consequence: missense variant.
Genome position (GRCh38, 1-based): chr3:58,105,111, G>A. VCF-style: chr3-58105111-G-A. GRCh37 (hg19) VCF-style: chr3-58090838-G-A.
Other names: c.1642G>A, p.Gly548Ser (NM_001164317.2, NM_001164318.2, NM_001164319.2); short protein forms G548S.
Identifiers: ClinVar variation 2872569 (VCV002872569.3), dbSNP rs2097257555, ClinGen allele CA353338937.